The following is an entry in ClinVar:

NM_201384.3(PLEC):c.4373G>T (p.Arg1458Leu)

Gene: PLEC (plectin; minus strand). Cytogenetic location: 8q24.3.
Variant type: single nucleotide variant.
Coding change: c.4373G>T on transcript NM_201384.3 (MANE Select); coding-DNA position 4373, G replaced by T.
Protein change: p.Arg1458Leu; replaces arginine 1458 with leucine.
Molecular consequence: missense variant.
Genome position (GRCh38, 1-based): chr8:143,925,556, C>A on the plus strand (G>T on the coding strand, the complement: PLEC is on the minus strand). VCF-style: chr8-143925556-C-A. GRCh37 (hg19) VCF-style: chr8-144999724-C-A.
Other names: c.4454G>T, p.Arg1485Leu (NM_000445.5); c.4331G>T, p.Arg1444Leu (NM_201378.4); c.4307G>T, p.Arg1436Leu (NM_201379.3); c.4784G>T, p.Arg1595Leu (NM_201380.4); c.4277G>T, p.Arg1426Leu (NM_201381.3); c.4373G>T, p.Arg1458Leu (NM_201382.4); c.4385G>T, p.Arg1462Leu (NM_201383.3); c.4454G>T (NM_000445.3); short protein forms R1436L, R1444L, R1462L, R1485L, R1426L, R1458L, R1595L.
Identifiers: ClinVar variation 471588 (VCV000471588.15), dbSNP rs782720526, ClinGen allele CA4926679.

ClinVar aggregate classification (germline): Uncertain significance. Review status: criteria provided, multiple submitters, no conflicts (2 of 4 stars). 6 submissions from 6 submitters: Uncertain significance (6). Last evaluated 2026-04-26.

Conditions:
PLEC-related disorder. Also called: PLEC-related disorders; PLEC-related condition.
Autosomal recessive limb-girdle muscular dystrophy type 2Q (LGMDR17). Also called: MUSCULAR DYSTROPHY, LIMB-GIRDLE, AUTOSOMAL RECESSIVE 17. Identifiers: Orphanet 254361, MedGen C3150989, MONDO:0013390, OMIM 613723.
Epidermolysis bullosa simplex with nail dystrophy (EBS5D). Identifiers: MedGen C4225309, MONDO:0014661, OMIM 616487.
Epidermolysis bullosa simplex 5C, with pyloric atresia (EBS5C). Also called: PLEC-Related Epidermolysis Bullosa with Pyloric Atresia; Epidermolysis bullosa simplex with pyloric atresia; PLEC1-Related Epidermolysis Bullosa with Pyloric Atresia. Identifiers: Orphanet 158684, MedGen C2677349, MONDO:0012807, OMIM 612138.
Epidermolysis bullosa simplex, Ogna type (EBS5A). Also called: Pidermolysis bullosa simplex 5A, Ogna type; EPIDERMOLYSIS BULLOSA SIMPLEX 5A, OGNA TYPE. Identifiers: Orphanet 79401, MedGen C0432317, MONDO:0007555, OMIM 131950.
Epidermolysis bullosa simplex 5B, with muscular dystrophy (EBS5B). Also called: EPIDERMOLYSIS BULLOSA SIMPLEX AND LIMB-GIRDLE MUSCULAR DYSTROPHY; Epidermolysis bullosa simplex with muscular dystrophy. Identifiers: Orphanet 257, MedGen C2931072, MONDO:0009181, OMIM 226670.
Inborn genetic diseases. Identifiers: MedGen C0950123, MeSH D030342.
Junctional epidermolysis bullosa with pyloric atresia. Also called: EPIDERMOLYSIS BULLOSA, JUNCTIONAL 5B, WITH PYLORIC ATRESIA; Junctional Epidermolysis Bullosa- Pyloric Atresia Syndrome; APLASIA CUTIS CONGENITA WITH GASTROINTESTINAL ATRESIA; CARMI SYNDROME; EB-PA-ACC; ITGB4-Related Epidermolysis Bullosa with Pyloric Atresia. Identifiers: Orphanet 79403, MedGen C5676875, MONDO:0009183, OMIM 226730.

Allele frequency attached by ClinVar (database versions not stated): TOPMed 0.00004.
gnomAD v4.1: 162 of 1,590,106 alleles (0.01%); highest among the groups gnomAD compares: South Asian, 0.12%; 1 homozygote.

Submissions (6):

PreventionGenetics, part of Exact Sciences
Classification: Uncertain significance for PLEC-related condition. Last evaluated: 2026-04-26. Review status: criteria provided, single submitter. Criteria: ACMG Guidelines, 2015. Collection method: clinical testing. Allele origin: germline.
Comment: The PLEC c.4454G>T variant is predicted to result in the amino acid substitution p.Arg1485Leu. To our knowledge, this variant has not been reported in the literature. This variant is reported in 0.13% of alleles in individuals of South Asian descent in gnomAD. Although we suspect that this variant may be benign, at this time, the clinical significance of this variant is uncertain due to the absence of conclusive functional and genetic evidence.

Labcorp Genetics (formerly Invitae), Labcorp
Classification: Uncertain significance for Autosomal recessive limb-girdle muscular dystrophy type 2Q; Epidermolysis bullosa simplex, Ogna type; Epidermolysis bullosa simplex with nail dystrophy; Epidermolysis bullosa simplex 5C, with pyloric atresia; Epidermolysis bullosa simplex 5B, with muscular dystrophy. Last evaluated: 2026-01-07. Review status: criteria provided, single submitter. Criteria: Invitae Variant Classification Sherloc (09022015). Collection method: clinical testing. Allele origin: germline.
Comment: This sequence change replaces arginine, which is basic and polar, with leucine, which is neutral and non-polar, at codon 1485 of the PLEC protein (p.Arg1485Leu). This variant is present in population databases (rs782720526, gnomAD 0.1%). This missense change has been observed in individual(s) with muscular dystrophy (internal data). ClinVar contains an entry for this variant (Variation ID: 471588). Experimental studies and prediction algorithms are not available or were not evaluated, and the functional significance of this variant is currently unknown. In summary, the available evidence is currently insufficient to determine the role of this variant in disease. Therefore, it has been classified as a Variant of Uncertain Significance.

Ambry Genetics
Classification: Uncertain significance for Inborn genetic diseases. Last evaluated: 2024-06-22. Review status: criteria provided, single submitter. Criteria: Ambry Variant Classification Scheme 2023. Collection method: clinical testing. Allele origin: germline.

GeneDx
Classification: Uncertain significance. Last evaluated: 2023-03-31. Review status: criteria provided, single submitter. Criteria: GeneDx Variant Classification Process June 2021. Collection method: clinical testing. Allele origin: germline. Affected: yes.
Comment: Has not been previously published as pathogenic or benign to our knowledge; In silico analysis supports that this missense variant has a deleterious effect on protein structure/function

Revvity Omics, Revvity
Classification: Uncertain significance. Last evaluated: 2022-06-21. Review status: criteria provided, single submitter. Criteria: ACMG Guidelines, 2015. Collection method: clinical testing. Allele origin: germline.

Fulgent Genetics
Classification: Uncertain significance for Epidermolysis bullosa simplex, Ogna type; Epidermolysis bullosa simplex 5B, with muscular dystrophy; Junctional epidermolysis bullosa with pyloric atresia; Epidermolysis bullosa simplex 5C, with pyloric atresia; Autosomal recessive limb-girdle muscular dystrophy type 2Q; Epidermolysis bullosa simplex with nail dystrophy. Last evaluated: 2018-10-31. Review status: criteria provided, single submitter. Criteria: ACMG Guidelines, 2015. Collection method: clinical testing. Allele origin: unknown.